The following is an entry in ClinVar:

ClinVar aggregate classification (germline): Benign/Likely benign. Review status: criteria provided, multiple submitters, no conflicts (2 of 4 stars). 9 submissions from 9 submitters: Benign (8); Likely benign (1). Last evaluated 2026-02-04.

Conditions:
Hereditary cancer-predisposing syndrome. Also called: Hereditary Cancer Syndrome; Neoplastic Syndromes, Hereditary; Tumor predisposition; Hereditary neoplastic syndrome. Identifiers: Orphanet 140162, MedGen C0027672, MeSH D009386, MONDO:0015356.
Prostate cancer, hereditary, 9 (HPC9). Identifiers: Orphanet 1331, MedGen C1970250, MONDO:0012597, OMIM 610997.

Allele frequency attached by ClinVar (database versions not stated): ExAC 0.00266; 1000 Genomes Project 0.00499; 1000 Genomes Project 30x 0.00562; gnomAD 0.00651 and 0.00691; TOPMed 0.00769; ESP Exome Variant Server 0.00907.
gnomAD v4.1: 2,486 of 1,614,186 alleles (0.15%); highest among the groups gnomAD compares: African/African-American, 2.1%; 23 homozygotes.

Submissions (9):

Labcorp Genetics (formerly Invitae), Labcorp
Classification: Benign. Last evaluated: 2026-02-04. Review status: criteria provided, single submitter. Criteria: Invitae Variant Classification Sherloc (09022015). Collection method: clinical testing. Allele origin: germline.

Quest Diagnostics Nichols Institute San Juan Capistrano
Classification: Benign. Last evaluated: 2025-08-08. Review status: criteria provided, single submitter. Criteria: Quest Diagnostics criteria. Collection method: clinical testing. Allele origin: unknown.

Myriad Genetics, Inc.
Classification: Benign for Prostate cancer, hereditary, 9. Last evaluated: 2024-10-29. Review status: criteria provided, single submitter. Criteria: Myriad Autosomal Dominant, Autosomal Recessive and X-Linked Classification Criteria (2023). Collection method: clinical testing. Allele origin: unknown.
Comment: This variant is considered benign. This variant is a silent/synonymous amino acid change and it is not expected to impact splicing.

KCCC/NGS Laboratory, Kuwait Cancer Control Center
Classification: Likely benign for Prostate cancer, hereditary, 9. Last evaluated: 2023-07-07. Review status: criteria provided, single submitter. Criteria: ACMG Guidelines, 2015. Collection method: clinical testing. Allele origin: germline. Affected: yes.

Women's Health and Genetics/Laboratory Corporation of America, LabCorp
Classification: Benign. Last evaluated: 2021-09-10. Review status: criteria provided, single submitter. Criteria: LabCorp Variant Classification Summary - May 2015. Collection method: clinical testing. Allele origin: germline.

Department of Pathology and Laboratory Medicine, Sinai Health System
Classification: Benign for Prostate cancer, hereditary, 9. Last evaluated: 2021-06-23. Review status: criteria provided, single submitter. Criteria: ACMG Guidelines, 2015. Collection method: clinical testing. Allele origin: germline. Affected: no.

Ambry Genetics
Classification: Benign for Hereditary cancer-predisposing syndrome. Last evaluated: 2018-12-20. Review status: criteria provided, single submitter. Criteria: Ambry Variant Classification Scheme 2023. Collection method: clinical testing. Allele origin: germline.

GeneDx
Classification: Benign. Last evaluated: 2015-03-03. Review status: criteria provided, single submitter. Criteria: GeneDx Variant Classification Process June 2021. Collection method: clinical testing. Allele origin: germline. Affected: yes.

Breakthrough Genomics
Classification: Benign. Review status: criteria provided, single submitter. Criteria: ACMG Guidelines, 2015. Collection method: not provided. Allele origin: germline. Inheritance: Unknown mechanism. Affected: yes.

Literature cited by the submitters: PubMed 27424772 (cited by Quest Diagnostics Nichols Institute San Juan Capistrano); PubMed 26176944 (cited by Quest Diagnostics Nichols Institute San Juan Capistrano).

NM_006361.6(HOXB13):c.330C>A (p.Pro110=)

Gene: HOXB13 (homeobox B13; minus strand). Cytogenetic location: 17q21.32.
Variant type: single nucleotide variant.
Coding change: c.330C>A on transcript NM_006361.6 (MANE Select); coding-DNA position 330, C replaced by A.
Protein change: p.Pro110=; no amino-acid change (proline 110 retained).
Molecular consequence: synonymous variant.
Genome position (GRCh38, 1-based): chr17:48,728,264, G>T on the plus strand (C>A on the coding strand, the complement: HOXB13 is on the minus strand). VCF-style: chr17-48728264-G-T. GRCh37 (hg19) VCF-style: chr17-46805626-G-T.
Identifiers: ClinVar variation 480872 (VCV000480872.23), dbSNP rs33993186, ClinGen allele CA8634010.